The following is an entry in ClinVar:

NM_003579.4(RAD54L):c.1858C>G (p.Arg620Gly)

Gene: RAD54L (RAD54 like; plus strand). Cytogenetic location: 1p34.1.
Variant type: single nucleotide variant.
Coding change: c.1858C>G on transcript NM_003579.4 (MANE Select); coding-DNA position 1858, C replaced by G.
Protein change: p.Arg620Gly; replaces arginine 620 with glycine.
Molecular consequence: missense variant.
Genome position (GRCh38, 1-based): chr1:46,274,706, C>G. VCF-style: chr1-46274706-C-G. GRCh37 (hg19) VCF-style: chr1-46740378-C-G.
Other names: c.1858C>G, p.Arg620Gly (NM_001142548.2); c.1318C>G, p.Arg440Gly (NM_001370766.1); short protein forms R620G, R440G.
Identifiers: ClinVar variation 1781446 (VCV001781446.3), dbSNP rs368976129, ClinGen allele CA340186579.

ClinVar aggregate classification (germline): Uncertain significance (1 of 4 stars; one submission).

Allele frequency attached by ClinVar (database versions not stated): TOPMed below 0.00001.

Submission:

Ambry Genetics
Classification: Uncertain significance. Last evaluated: 2024-06-28. Review status: criteria provided, single submitter. Criteria: Ambry Variant Classification Scheme 2023. Collection method: clinical testing. Allele origin: germline.
Comment: The p.R620G variant (also known as c.1858C>G), located in coding exon 16 of the RAD54L gene, results from a C to G substitution at nucleotide position 1858. The arginine at codon 620 is replaced by glycine, an amino acid with dissimilar properties. This amino acid position is conserved. In addition, this alteration is predicted to be deleterious by in silico analysis. Since supporting evidence is limited at this time, the clinical significance of this alteration remains unclear.